The following is an entry in ClinVar:

ClinVar aggregate classification (germline): Conflicting classifications of pathogenicity. Review status: criteria provided, conflicting classifications (1 of 4 stars). 4 submissions from 4 submitters: Uncertain significance (3); Benign (1). Last evaluated 2026-08-01.

Allele frequency attached by ClinVar (database versions not stated): TOPMed 0.00050; gnomAD 0.00066; ESP Exome Variant Server 0.00069; gnomAD exomes 0.00054; ExAC 0.00058.
gnomAD v4.1: 875 of 1,614,128 alleles (0.054%); highest among the groups gnomAD compares: Non-Finnish European, 0.07%; 3 homozygotes.

Submissions (7):

CeGaT Center for Human Genetics Tuebingen
Classification: Benign. Last evaluated: 2026-08-01. Review status: criteria provided, single submitter. Criteria: CeGaT Center For Human Genetics Tuebingen Variant Classification Criteria Version 2. Collection method: clinical testing. Allele origin: germline. Affected: yes. Observed: 10 variant alleles.
Comment: FAT2: PP2, BP4, BS1, BS2

Women's Health and Genetics/Laboratory Corporation of America, LabCorp
Classification: Uncertain significance. Last evaluated: 2026-04-20. Review status: criteria provided, single submitter. Criteria: LabCorp Variant Classification Summary - May 2015. Collection method: clinical testing. Allele origin: germline.
Comment: Variant summary: FAT2 c.7463C>T (p.Ala2488Val) results in a non-conservative amino acid change in the encoded protein sequence. Algorithms developed to predict the effect of missense changes on protein structure and function are either unavailable or do not agree on the potential impact of this missense change. The variant allele was found at a frequency of 0.00054 in 251106 control chromosomes in the gnomAD database, including 1 homozygote. This frequency is not significantly higher than estimated for disease-causing variants in FAT2, allowing no conclusion about variant significance. To our knowledge, no occurrence of c.7463C>T in individuals affected with FAT2-related conditions and no experimental evidence demonstrating its impact on protein function have been reported. ClinVar contains an entry for this variant (Variation ID: 2078133). Based on the evidence outlined above, the variant was classified as uncertain significance.

Labcorp Genetics (formerly Invitae), Labcorp
Classification: Uncertain significance. Last evaluated: 2026-01-26. Review status: criteria provided, single submitter. Criteria: Invitae Variant Classification Sherloc (09022015). Collection method: clinical testing. Allele origin: germline.
Comment: This sequence change replaces alanine, which is neutral and non-polar, with valine, which is neutral and non-polar, at codon 2488 of the FAT2 protein (p.Ala2488Val). This variant is present in population databases (rs146104287, gnomAD 0.1%), and has an allele count higher than expected for a pathogenic variant. This variant has not been reported in the literature in individuals affected with FAT2-related conditions. ClinVar contains an entry for this variant (Variation ID: 2078133). Invitae Evidence Modeling of protein sequence and biophysical properties (such as structural, functional, and spatial information, amino acid conservation, physicochemical variation, residue mobility, and thermodynamic stability) indicates that this missense variant is not expected to disrupt FAT2 protein function with a negative predictive value of 80%. In summary, the available evidence is currently insufficient to determine the role of this variant in disease. Therefore, it has been classified as a Variant of Uncertain Significance.

Ambry Genetics
Classification: Uncertain significance. Last evaluated: 2021-10-05. Review status: criteria provided, single submitter. Criteria: Ambry Variant Classification Scheme 2023. Collection method: clinical testing. Allele origin: germline.

Dr. Peter K. Rogan Lab, Western University
No classification provided (evidence only). Condition: Melanoma. Review status: no classification provided. Collection method: in vitro. Allele origin: not applicable. Functional consequence: retained intron. Not counted in ClinVar's aggregate classification.

Dr. Peter K. Rogan Lab, Western University
No classification provided (evidence only). Condition: Melanoma. Review status: no classification provided. Collection method: in vitro. Allele origin: not applicable. Functional consequence: retained intron. Not counted in ClinVar's aggregate classification.

Dr. Peter K. Rogan Lab, Western University
No classification provided (evidence only). Condition: Thyroid cancer, nonmedullary, 1. Review status: no classification provided. Collection method: in vitro. Allele origin: not applicable. Functional consequence: retained intron. Not counted in ClinVar's aggregate classification.

NM_001447.3(FAT2):c.7463C>T (p.Ala2488Val)

Genes: SLC36A1 (solute carrier family 36 member 1; plus strand), FAT2 (FAT atypical cadherin 2; minus strand). Cytogenetic location: 5q33.1.
Variant type: single nucleotide variant.
Coding change: c.7463C>T on transcript NM_001447.3 (MANE Select); coding-DNA position 7463, C replaced by T.
Protein change: p.Ala2488Val; replaces alanine 2488 with valine.
Molecular consequence: missense variant.
Genome position (GRCh38, 1-based): chr5:151,543,664, G>A on the plus strand (C>T on the coding strand, the complement: FAT2 is on the minus strand). VCF-style: chr5-151543664-G-A. GRCh37 (hg19) VCF-style: chr5-150923225-G-A.
Other names: short protein forms A2488V.
Identifiers: ClinVar variation 2078133 (VCV002078133.31), dbSNP rs146104287, ClinGen allele CA3520956.